The following is an entry in ClinVar:

NM_001042631.3(SDHAF1):c.169G>C (p.Gly57Arg)

Genes: SDHAF1 (succinate dehydrogenase complex assembly factor 1; plus strand), LOC130064280 (ATAC-STARR-seq lymphoblastoid silent region 10545; plus strand). Cytogenetic location: 19q13.12.
Variant type: single nucleotide variant.
Coding change: c.169G>C on transcript NM_001042631.3 (MANE Select); coding-DNA position 169, G replaced by C.
Protein change: p.Gly57Arg; replaces glycine 57 with arginine.
Molecular consequence: missense variant.
Genome position (GRCh38, 1-based): chr19:35,995,443, G>C. VCF-style: chr19-35995443-G-C. GRCh37 (hg19) VCF-style: chr19-36486345-G-C.
Other names: short protein forms G57R.
Identifiers: ClinVar variation 429 (VCV000000429.4), dbSNP rs137853192, ClinGen allele CA114271.

ClinVar aggregate classification (germline): Pathogenic. Review status: criteria provided, single submitter (1 of 4 stars). 2 submissions from 2 submitters: Pathogenic (1). 1 of the submissions does not count toward it. Last evaluated 2023-10-16.

Conditions:
Mitochondrial complex 2 deficiency, nuclear type 2. Also called: MITOCHONDRIAL COMPLEX II DEFICIENCY, NUCLEAR TYPE 2. Identifiers: MedGen C5436933, MONDO:0030935, OMIM 619166.

Submissions (2):

3billion
Classification: Pathogenic for Mitochondrial complex 2 deficiency, nuclear type 2. Last evaluated: 2023-10-16. Review status: criteria provided, single submitter. Criteria: ACMG Guidelines, 2015. Collection method: clinical testing. Allele origin: germline. Affected: yes.
Comment: The variant is not observed in the gnomAD v2.1.1 dataset. Predicted Consequence/Location: Missense variant Functional studies provide strong evidence of the variant having a damaging effect on the gene or gene product (PMID: 19465911). In silico tool predictions suggest damaging effect of the variant on gene or gene product [REVEL: 0.86 (>=0.6, sensitivity 0.68 and specificity 0.92)]. Same nucleotide change resulting in same amino acid change (ClinVar ID: VCV000000429 /PMID: 19465911, 26642834) and a different missense change at the same codon (p.Gly57Glu / ClinVar ID: VCV001027545 /PMID: 22995659, 26642834) have been previously reported to be associated with SDHAF1 related disorder.The variant has been reported to co-segregate with the disease in at least one similarly affected relative/individual in the same family or similarly affected unrelated family (PMID: 19465911). Therefore, this variant is classified as Pathogenic according to the recommendation of ACMG/AMP guideline.

OMIM
Classification: Pathogenic for MITOCHONDRIAL COMPLEX II DEFICIENCY, NUCLEAR TYPE 2. Last evaluated: 2009-06-01. Review status: no assertion criteria provided. Collection method: literature only. Allele origin: germline. Not counted in ClinVar's aggregate classification.

Literature cited by the submitters: PubMed 22995659 (cited by 3billion); PubMed 19465911 (cited by 3billion and OMIM); PubMed 16737791 (cited by OMIM).